The following is an entry in ClinVar:

NM_001104631.2(PDE4D):c.274C>A (p.Arg92Ser)

Gene: PDE4D (phosphodiesterase 4D; minus strand). Cytogenetic location: 5q12.1.
Variant type: single nucleotide variant.
Coding change: c.274C>A on transcript NM_001104631.2 (MANE Select); coding-DNA position 274, C replaced by A.
Protein change: p.Arg92Ser; replaces arginine 92 with serine.
Molecular consequence: missense variant. On other transcripts: intron variant (5).
Genome position (GRCh38, 1-based): chr5:59,893,349, G>T on the plus strand (C>A on the coding strand, the complement: PDE4D is on the minus strand). VCF-style: chr5-59893349-G-T. GRCh37 (hg19) VCF-style: chr5-59189176-G-T.
Other names: c.272+95139C>A (NM_001364599.1, NM_001165899.2, NM_001364600.2); c.-240+95139C>A (NM_001349243.2); c.242+95139C>A (NM_001349241.2); short protein forms R92S.
Identifiers: ClinVar variation 1708572 (VCV001708572.2), dbSNP rs773134882, ClinGen allele CA359932728.

ClinVar aggregate classification (germline): Uncertain significance (1 of 4 stars; one submission).

Allele frequency attached by ClinVar (database versions not stated): TOPMed below 0.00001.

Submission:

GeneDx
Classification: Uncertain significance. Last evaluated: 2022-04-05. Review status: criteria provided, single submitter. Criteria: GeneDx Variant Classification Process June 2021. Collection method: clinical testing. Allele origin: germline. Affected: yes.
Comment: Not observed at significant frequency in large population cohorts (gnomAD); In silico analysis supports that this missense variant does not alter protein structure/function; Has not been previously published as pathogenic or benign to our knowledge